The following is an entry in ClinVar:

NM_153240.5(NPHP3):c.2631A>G (p.Gly877=)

Genes: NPHP3 (nephrocystin 3; minus strand), NPHP3-ACAD11 (NPHP3-ACAD11 readthrough (NMD candidate); minus strand). Cytogenetic location: 3q22.1.
Variant type: single nucleotide variant.
Coding change: c.2631A>G on transcript NM_153240.5 (MANE Select); coding-DNA position 2631, A replaced by G.
Protein change: p.Gly877=; no amino-acid change (glycine 877 retained).
Molecular consequence: synonymous variant. On other transcripts: non-coding transcript variant (1).
Genome position (GRCh38, 1-based): chr3:132,690,590, T>C on the plus strand (A>G on the coding strand, the complement: NPHP3 is on the minus strand). VCF-style: chr3-132690590-T-C. GRCh37 (hg19) VCF-style: chr3-132409434-T-C.
Identifiers: ClinVar variation 3355381 (VCV003355381.2).

ClinVar aggregate classification (germline): Likely benign. Review status: criteria provided, single submitter (1 of 4 stars). 2 submissions from 2 submitters: Likely benign (1). 1 of the submissions does not count toward it. Last evaluated 2025-04-30.

Conditions:
NPHP3-related disorder. Also called: NPHP3-related condition; NPHP3-related disorders. Identifiers: MedGen CN379163.
Nephronophthisis. Also called: Juvenile Nephronophthisis. Identifiers: Orphanet 655, MedGen C0687120, MONDO:0019005, HP:0000090.

gnomAD v4.1: 17 of 1,613,576 alleles (0.0011%); highest among the groups gnomAD compares: Non-Finnish European, 0.0014%; no homozygotes.

Submissions (2):

Labcorp Genetics (formerly Invitae), Labcorp
Classification: Likely benign for Nephronophthisis. Last evaluated: 2025-04-30. Review status: criteria provided, single submitter. Criteria: Invitae Variant Classification Sherloc (09022015). Collection method: clinical testing. Allele origin: germline.

PreventionGenetics, part of Exact Sciences
Classification: Likely benign for NPHP3-related condition. Last evaluated: 2024-05-09. Review status: no assertion criteria provided. Collection method: clinical testing. Allele origin: germline. Not counted in ClinVar's aggregate classification.
Comment: This variant is classified as likely benign based on ACMG/AMP sequence variant interpretation guidelines (Richards et al. 2015 PMID: 25741868, with internal and published modifications).